The following is an entry in ClinVar:

ClinVar aggregate classification (germline): Uncertain significance (1 of 4 stars; one submission).

Allele frequency attached by ClinVar (database versions not stated): gnomAD exomes below 0.00001; ExAC 0.00001.
gnomAD v4.1: 3 of 1,612,856 alleles (0.00019%); highest among the groups gnomAD compares: South Asian, 0.0022%; no homozygotes.

Submission:

Labcorp Genetics (formerly Invitae), Labcorp
Classification: Uncertain significance. Last evaluated: 2021-10-07. Review status: criteria provided, single submitter. Criteria: Invitae Variant Classification Sherloc (09022015). Collection method: clinical testing. Allele origin: germline.
Comment: This variant is present in population databases (rs754059237, ExAC 0.006%). This sequence change replaces leucine with arginine at codon 379 of the TONSL protein (p.Leu379Arg). The leucine residue is highly conserved and there is a moderate physicochemical difference between leucine and arginine. This variant has not been reported in the literature in individuals affected with TONSL-related conditions. In summary, the available evidence is currently insufficient to determine the role of this variant in disease. Therefore, it has been classified as a Variant of Uncertain Significance. Algorithms developed to predict the effect of missense changes on protein structure and function are either unavailable or do not agree on the potential impact of this missense change (SIFT: "Tolerated"; PolyPhen-2: "Probably Damaging"; Align-GVGD: "Class C0").

NM_013432.5(TONSL):c.1136T>G (p.Leu379Arg)

Gene: TONSL (tonsoku like, DNA repair protein; minus strand). Cytogenetic location: 8q24.3.
Variant type: single nucleotide variant.
Coding change: c.1136T>G on transcript NM_013432.5 (MANE Select); coding-DNA position 1136, T replaced by G.
Protein change: p.Leu379Arg; replaces leucine 379 with arginine.
Molecular consequence: missense variant.
Genome position (GRCh38, 1-based): chr8:144,440,746, A>C on the plus strand (T>G on the coding strand, the complement: TONSL is on the minus strand). VCF-style: chr8-144440746-A-C. GRCh37 (hg19) VCF-style: chr8-145666129-A-C.
Other names: short protein forms L379R.
Identifiers: ClinVar variation 1385117 (VCV001385117.6), dbSNP rs754059237, ClinGen allele CA4943383.